The following is an entry in ClinVar:

ClinVar aggregate classification (germline): Pathogenic/Likely pathogenic. Review status: criteria provided, multiple submitters, no conflicts (2 of 4 stars). 2 submissions from 2 submitters: Pathogenic (1); Likely pathogenic (1). Last evaluated 2023-10-22.

Conditions:
Primary ciliary dyskinesia. Also called: Ciliary dyskinesia. Identifiers: Orphanet 244, MedGen C0008780, MONDO:0016575, HP:0012265.
Kartagener syndrome (CILD1). Also called: CILIARY DYSKINESIA, PRIMARY, 1, WITH OR WITHOUT SITUS INVERSUS; IMMOTILE CILIA SYNDROME; CILIARY DYSKINESIA, PRIMARY, 1; POLYNESIAN BRONCHIECTASIS; Dextrocardia bronchiectasis and sinusitis; SIEWERT SYNDROME. Identifiers: Orphanet 244, MedGen C4551906, MONDO:0009484, OMIM 244400.

Allele frequency attached by ClinVar (database versions not stated): gnomAD exomes below 0.00001; ExAC 0.00001; gnomAD 0.00001; TOPMed 0.00001.
gnomAD v4.1: 4 of 1,614,068 alleles (0.00025%); highest among the groups gnomAD compares: African/African-American, 0.0053%; no homozygotes.

Submissions (2):

Labcorp Genetics (formerly Invitae), Labcorp
Classification: Pathogenic for Primary ciliary dyskinesia. Last evaluated: 2023-10-22. Review status: criteria provided, single submitter. Criteria: Invitae Variant Classification Sherloc (09022015). Collection method: clinical testing. Allele origin: germline.
Comment: This sequence change creates a premature translational stop signal (p.Leu177*) in the DNAI1 gene. It is expected to result in an absent or disrupted protein product. Loss-of-function variants in DNAI1 are known to be pathogenic (PMID: 16858015, 29363216). This variant is present in population databases (rs749302505, gnomAD 0.008%). This variant has not been reported in the literature in individuals affected with DNAI1-related conditions. ClinVar contains an entry for this variant (Variation ID: 1439851). For these reasons, this variant has been classified as Pathogenic.

Department of Pathology and Laboratory Medicine, Sinai Health System
Classification: Likely pathogenic for Kartagener syndrome. Last evaluated: 2022-08-04. Review status: criteria provided, single submitter. Criteria: ACMG Guidelines, 2015. Collection method: research. Allele origin: germline.

Literature cited by the submitters: PubMed 16858015 (cited by Labcorp Genetics (formerly Invitae), Labcorp); PubMed 29363216 (cited by Labcorp Genetics (formerly Invitae), Labcorp).

NM_012144.4(DNAI1):c.530T>A (p.Leu177Ter)

Gene: DNAI1 (dynein axonemal intermediate chain 1; plus strand). Cytogenetic location: 9p13.3.
Variant type: single nucleotide variant.
Coding change: c.530T>A on transcript NM_012144.4 (MANE Select); coding-DNA position 530, T replaced by A.
Protein change: p.Leu177Ter; replaces leucine 177 with a stop codon.
Molecular consequence: nonsense.
Genome position (GRCh38, 1-based): chr9:34,490,397, T>A. VCF-style: chr9-34490397-T-A. GRCh37 (hg19) VCF-style: chr9-34490395-T-A.
Other names: c.542T>A, p.Leu181Ter (NM_001281428.2); short protein forms L181*, L177*.
Identifiers: ClinVar variation 1439851 (VCV001439851.7), dbSNP rs749302505, ClinGen allele CA5034097.